The following is an entry in ClinVar:

ClinVar aggregate classification (germline): Uncertain significance. Review status: criteria provided, multiple submitters, no conflicts (2 of 4 stars). 2 submissions from 2 submitters: Uncertain significance (2). Last evaluated 2025-06-07.

Conditions:
Inborn genetic diseases. Identifiers: MedGen C0950123, MeSH D030342.

gnomAD v4.1: 5 of 1,580,328 alleles (0.00032%); highest among the groups gnomAD compares: African/African-American, 0.0013%; no homozygotes.

Submissions (2):

Ambry Genetics
Classification: Uncertain significance for Inborn genetic diseases. Last evaluated: 2025-06-07. Review status: criteria provided, single submitter. Criteria: Ambry Variant Classification Scheme 2023. Collection method: clinical testing. Allele origin: germline.

Labcorp Genetics (formerly Invitae), Labcorp
Classification: Uncertain significance. Last evaluated: 2025-03-26. Review status: criteria provided, single submitter. Criteria: Invitae Variant Classification Sherloc (09022015). Collection method: clinical testing. Allele origin: germline.
Comment: This sequence change replaces arginine, which is basic and polar, with histidine, which is basic and polar, at codon 3045 of the DCHS1 protein (p.Arg3045His). The frequency data for this variant in the population databases is considered unreliable, as metrics indicate poor data quality at this position in the gnomAD database. This variant has not been reported in the literature in individuals affected with DCHS1-related conditions. Invitae Evidence Modeling of protein sequence and biophysical properties (such as structural, functional, and spatial information, amino acid conservation, physicochemical variation, residue mobility, and thermodynamic stability) has been performed for this missense variant. However, the output from this modeling did not meet the statistical confidence thresholds required to predict the impact of this variant on DCHS1 protein function. In summary, the available evidence is currently insufficient to determine the role of this variant in disease. Therefore, it has been classified as a Variant of Uncertain Significance.

NM_003737.4(DCHS1):c.9134G>A (p.Arg3045His)

Genes: DCHS1 (dachsous cadherin-related 1; minus strand), LOC130005209 (ATAC-STARR-seq lymphoblastoid active region 4351; plus strand). Cytogenetic location: 11p15.4.
Variant type: single nucleotide variant.
Coding change: c.9134G>A on transcript NM_003737.4 (MANE Select); coding-DNA position 9134, G replaced by A.
Protein change: p.Arg3045His; replaces arginine 3045 with histidine.
Molecular consequence: missense variant.
Genome position (GRCh38, 1-based): chr11:6,622,542, C>T on the plus strand (G>A on the coding strand, the complement: DCHS1 is on the minus strand). VCF-style: chr11-6622542-C-T. GRCh37 (hg19) VCF-style: chr11-6643773-C-T.
Other names: short protein forms R3045H.
Identifiers: ClinVar variation 4009717 (VCV004009717.2).